The following continues an entry in ClinVar:

NM_000059.4(BRCA2):c.520C>T (p.Arg174Cys)

Gene: BRCA2. ClinVar aggregate classification (germline): Conflicting classifications of pathogenicity. Uncertain significance (11); Likely benign (1).

Submissions 9 to 14 of 14:

Color Diagnostics, LLC DBA Color Health
Classification: Uncertain significance for Hereditary cancer-predisposing syndrome. Last evaluated: 2023-07-06. Review status: criteria provided, single submitter. Criteria: ACMG Guidelines, 2015. Collection method: clinical testing. Allele origin: germline.
Comment: This missense variant replaces arginine with cysteine at codon 174 of the BRCA2 protein. Computational prediction suggests that this variant may not impact protein structure and function (internally defined REVEL score threshold <= 0.5, PMID: 27666373). A functional RNA study reported this variant causes partial exon 7 skipping in minigene splicing assay and confirmed in patient RNA (PMID: 21673748). This variant has been reported in an individual affected with early-onset breast cancer and strong family history of disease (PMID: 21673748) and also in two unaffected controls in a breast cancer case-control study (PMID: 30287823). This variant has been identified in 1/251366 chromosomes in the general population by the Genome Aggregation Database (gnomAD). The available evidence is insufficient to determine the role of this variant in disease conclusively. Therefore, this variant is classified as a Variant of Uncertain Significance.

Institute for Clinical Genetics, University Hospital TU Dresden, University Hospital TU Dresden
Classification: Uncertain significance. Last evaluated: 2021-11-03. Review status: criteria provided, single submitter. Criteria: ACMG Guidelines, 2015. Collection method: clinical testing. Allele origin: germline.

GeneDx
Classification: Uncertain significance. Last evaluated: 2021-07-27. Review status: criteria provided, single submitter. Criteria: GeneDx Variant Classification Process June 2021. Collection method: clinical testing. Allele origin: germline. Affected: yes.
Comment: Not observed at a significant frequency in large population cohorts (Lek 2016); In silico analysis supports that this missense variant does not alter protein structure/function; Observed in at least two individuals with early-onset familial breast cancer (Thery 2011); RNA and minigene assays demonstrate partial exon 7 skipping, producing both full-length and truncated mRNA transcripts in varying proportions (Gaildrat 2012, Di Giacomo 2013). Exon 7 skipping has been reported to create a frameshift ultimately causing a premature nonsense codon, resulting in a truncated protein product that appears to undergo nonsense-mediated mRNA decay (Pyne 2000); This variant is associated with the following publications: (PMID: 32072338, 32486089, 32170000, 32123317, 30287823, 26761715, 11185744, 23983145, 22962691, 21673748)

Cancer Variant Interpretation Group UK, Institute of Cancer Research, London
Classification: Uncertain significance for Hereditary Breast and Ovarian Cancer. Last evaluated: 2020-02-18. Review status: criteria provided, single submitter. Criteria: ACMG Guidelines, 2015. Collection method: clinical testing. Allele origin: germline. Affected: yes. Observed: 3 variant alleles.
Comment: Data included in classification: Case control comparison of UK matched against ethnically matched population data (3/25,773) in familial cases against 1/56,837 GNOMAD NFE controls pexact= 0.093 (PS4_mod). Absent from the remainder of the gnomAD population (0/68,846) (PM2_mod). Assays reported by Thery 2011, Gaildrat 2012, Di Giacomo 2013 (PMID: 21673748, PMID: 22962691, PMID: 2398314) show 60-70% exon 7 skipping likely due to disruption of ESE. ESE prediction tools predict enhancer site. (PS3_mod). Variant reported in the homozygous form (1) and heterozygous form (1) on the BRCA2 Fanconi database from the Japanese Biobank. (BS2_sup). Additional data (not included in classification): The variant has also been observed in at least 2 additional UK families, 5 families tested by Ambry and is reported an additional 4 times on ClinVar. Variable segregation in UK families. None strong. Other classifications: Ambry VUS 2018; Gene Dx VUS 2017; Color VUS 2017; Invitae VUS 2017. In silico predictions mixed.

Department of Medical and Surgical Sciences, University of Bologna
Classification: Uncertain significance for Breast-ovarian cancer, familial, susceptibility to, 2. Last evaluated: 2023-09-01. Review status: no assertion criteria provided. Collection method: clinical testing. Allele origin: germline. Affected: yes. Not counted in ClinVar's aggregate classification.
Comment: PM2(Supporting)+PP3(Supporting)+BP5(Supporting) according to ACMG/AMP classification guidelines specified for BRCA1 & BRCA2 (Classification Criteria V1.0.0 2023-09-08) (PMID: 38160042)

Sharing Clinical Reports Project (SCRP)
Classification: Uncertain significance for Breast-ovarian cancer, familial 2. Last evaluated: 2012-05-01. Review status: no assertion criteria provided. Collection method: clinical testing. Allele origin: germline. Not counted in ClinVar's aggregate classification.

Literature cited by the submitters: PubMed 25085752 (cited by Myriad Genetics, Inc.); PubMed 21673748 (cited by 4 submitters); PubMed 31907386 (cited by Labcorp Genetics (formerly Invitae), Labcorp); PubMed 23983145 (cited by Women's Health and Genetics/Laboratory Corporation of America, LabCorp and Ambry Genetics); PubMed 23893897 (cited by Women's Health and Genetics/Laboratory Corporation of America, LabCorp); PubMed 22962691 (cited by Women's Health and Genetics/Laboratory Corporation of America, LabCorp); PubMed 25348012 (cited by Women's Health and Genetics/Laboratory Corporation of America, LabCorp); PubMed 26761715 (cited by Women's Health and Genetics/Laboratory Corporation of America, LabCorp); PubMed 27300552 (cited by Women's Health and Genetics/Laboratory Corporation of America, LabCorp); PubMed 30287823 (cited by 4 submitters); PubMed 32123317 (cited by Women's Health and Genetics/Laboratory Corporation of America, LabCorp and Ambry Genetics); PubMed 34663891 (cited by Women's Health and Genetics/Laboratory Corporation of America, LabCorp); PubMed 36243179 (cited by Women's Health and Genetics/Laboratory Corporation of America, LabCorp); PubMed 38324470 (cited by Women's Health and Genetics/Laboratory Corporation of America, LabCorp); PubMed 29884841 (cited by Ambry Genetics); PubMed 32398771 (cited by Ambry Genetics).